The following is an entry in ClinVar:

NM_006214.4(PHYH):c.588G>A (p.Met196Ile)

Gene: PHYH (phytanoyl-CoA 2-hydroxylase; minus strand). Cytogenetic location: 10p13.
Variant type: single nucleotide variant.
Coding change: c.588G>A on transcript NM_006214.4 (MANE Select); coding-DNA position 588, G replaced by A.
Protein change: p.Met196Ile; replaces methionine 196 with isoleucine.
Molecular consequence: missense variant. On other transcripts: intron variant (1).
Genome position (GRCh38, 1-based): chr10:13,288,450, C>T on the plus strand (G>A on the coding strand, the complement: PHYH is on the minus strand). VCF-style: chr10-13288450-C-T. GRCh37 (hg19) VCF-style: chr10-13330450-C-T.
Other names: c.288G>A, p.Met96Ile (NM_001037537.2, NM_001323080.2); c.594G>A, p.Met198Ile (NM_001323082.2); c.294G>A, p.Met98Ile (NM_001323084.2); c.415-4611G>A (NM_001323083.2); short protein forms M96I, M98I, M198I, M196I.
Identifiers: ClinVar variation 1390613 (VCV001390613.6), dbSNP rs2131640691, ClinGen allele CA376035486.

ClinVar aggregate classification (germline): Uncertain significance (1 of 4 stars; one submission).

Submission:

Labcorp Genetics (formerly Invitae), Labcorp
Classification: Uncertain significance. Last evaluated: 2024-10-23. Review status: criteria provided, single submitter. Criteria: Invitae Variant Classification Sherloc (09022015). Collection method: clinical testing. Allele origin: germline.
Comment: This sequence change replaces methionine, which is neutral and non-polar, with isoleucine, which is neutral and non-polar, at codon 196 of the PHYH protein (p.Met196Ile). This variant is not present in population databases (gnomAD no frequency). This variant has not been reported in the literature in individuals affected with PHYH-related conditions. ClinVar contains an entry for this variant (Variation ID: 1390613). Invitae Evidence Modeling of protein sequence and biophysical properties (such as structural, functional, and spatial information, amino acid conservation, physicochemical variation, residue mobility, and thermodynamic stability) indicates that this missense variant is not expected to disrupt PHYH protein function with a negative predictive value of 80%. In summary, the available evidence is currently insufficient to determine the role of this variant in disease. Therefore, it has been classified as a Variant of Uncertain Significance.